The following is an entry in ClinVar:

NM_003482.4(KMT2D):c.4065A>T (p.Glu1355Asp)

Gene: KMT2D (lysine methyltransferase 2D; minus strand). Cytogenetic location: 12q13.12.
Variant type: single nucleotide variant.
Coding change: c.4065A>T on transcript NM_003482.4 (MANE Select); coding-DNA position 4065, A replaced by T.
Protein change: p.Glu1355Asp; replaces glutamic acid 1355 with aspartic acid.
Molecular consequence: missense variant.
Genome position (GRCh38, 1-based): chr12:49,048,725, T>A on the plus strand (A>T on the coding strand, the complement: KMT2D is on the minus strand). VCF-style: chr12-49048725-T-A. GRCh37 (hg19) VCF-style: chr12-49442508-T-A.
Other names: short protein forms E1355D.
Identifiers: ClinVar variation 3234639 (VCV003234639.20), dbSNP rs1459843146, ClinGen allele CA384650699.

ClinVar aggregate classification (germline): Uncertain significance (1 of 4 stars; one submission).

Allele frequency attached by ClinVar (database versions not stated): gnomAD exomes below 0.00001.
gnomAD v4.1: 3 of 1,613,150 alleles (0.00019%); highest among the groups gnomAD compares: East Asian, 0.0045%; no homozygotes.

Submission:

CeGaT Center for Human Genetics Tuebingen
Classification: Uncertain significance. Last evaluated: 2024-04-01. Review status: criteria provided, single submitter. Criteria: CeGaT Center For Human Genetics Tuebingen Variant Classification Criteria Version 2. Collection method: clinical testing. Allele origin: germline. Affected: yes. Observed: 1 variant allele.
Comment: KMT2D: PM2, PP2, BP4